The following is an entry in ClinVar:

ClinVar aggregate classification (germline): Uncertain significance (1 of 4 stars; one submission).

Submission:

CeGaT Center for Human Genetics Tuebingen
Classification: Uncertain significance. Last evaluated: 2025-03-01. Review status: criteria provided, single submitter. Criteria: CeGaT Center For Human Genetics Tuebingen Variant Classification Criteria Version 2. Collection method: clinical testing. Allele origin: germline. Affected: yes. Observed: 1 variant allele.
Comment: TANC2: PM2

NM_001394998.1(TANC2):c.3416G>T (p.Arg1139Leu)

Genes: TANC2 (tetratricopeptide repeat, ankyrin repeat and coiled-coil containing 2; plus strand), LOC105371856 (uncharacterized LOC105371856; minus strand). Cytogenetic location: 17q23.3.
Variant type: single nucleotide variant.
Coding change: c.3416G>T on transcript NM_001394998.1 (MANE Select); coding-DNA position 3416, G replaced by T.
Protein change: p.Arg1139Leu; replaces arginine 1139 with leucine.
Molecular consequence: missense variant.
Genome position (GRCh38, 1-based): chr17:63,405,206, G>T. VCF-style: chr17-63405206-G-T. GRCh37 (hg19) VCF-style: chr17-61482567-G-T.
Other names: c.3194G>T, p.Arg1065Leu (NM_001411076.1, NM_025185.4); short protein forms R1065L, R1139L.
Identifiers: ClinVar variation 3778529 (VCV003778529.7).
Genomic context (GRCh38, chr17:63,405,206, plus strand): 5'-GCAAACTGGAGGTGTGCCGTTTGCTCTTGGAACAAGGGGCGGCAGTGGCCCAGCCAAACC[G>T]CCGAGGAGCAGTGCCACTATTCAGCACAGTGCGCCAGGGCCACTGGCAGGTAAGCAGGGC-3'
Protein context (NP_001381927.1, residues 1129-1149): EQGAAVAQPN[Arg1139Leu]RGAVPLFSTV